The following is an entry in ClinVar:

ClinVar aggregate classification (germline): Likely pathogenic (1 of 4 stars; one submission).

Conditions:
X-linked immunodeficiency with magnesium defect, Epstein-Barr virus infection and neoplasia. Identifiers: Orphanet 317476, MedGen C3275445, MONDO:0010455, OMIM 300853.

Submission:

3billion
Classification: Likely pathogenic for X-linked immunodeficiency with magnesium defect, Epstein-Barr virus infection and neoplasia. Review status: criteria provided, single submitter. Criteria: ACMG Guidelines, 2015. Collection method: clinical testing. Allele origin: unknown. Affected: yes. Observed: 1 hemizygote.
Comment: The variant is not observed in the gnomAD v2.1.1 dataset. The variant is predicted to result in a loss or disruption of normal protein function through nonsense-mediated decay (NMD) or protein truncation. Multiple pathogenic variants are reported downstream of the variant. Therefore, this variant is classified as Likely pathogenic according to the recommendation of ACMG/AMP guideline.

NM_001367916.1(MAGT1):c.468dup (p.Gln157fs)

Gene: MAGT1 (magnesium transporter 1; minus strand). Cytogenetic location: Xq21.1.
Variant type: Duplication.
Coding change: c.468dup on transcript NM_001367916.1 (MANE Select); coding-DNA position 468, one base duplicated (A; older notation c.468dupA).
Protein change: p.Gln157fs; shifts the reading frame from glutamine 157.
Molecular consequence: frameshift variant.
Genome position (GRCh38, 1-based): chrX:77,857,420, T duplicated on the plus strand (A on the coding strand, the reverse complement: MAGT1 is on the minus strand). VCF-style (leftmost placement, unchanged base first): chrX-77857419-G-GT. GRCh37 (hg19) VCF-style: chrX-77112916-G-GT.
Other names: c.564dup, p.Gln189fs (NM_032121.5); short protein forms Q157fs, Q189fs.
Identifiers: ClinVar variation 2572514 (VCV002572514.1), dbSNP rs2521996795, ClinGen allele CA2580612379.
Genomic context (GRCh38, chrX:77,857,419, plus strand): 5'-TGACATCAGTTCTGTCGGCGATCCACCGGGCAATCTGCTCAGCTGAAAAACCCCGCACCT[G>GT]TAACTCATATGTATCACCCCGTTTGGGTTTCCCTTTTGCAGGAAAGTTGATGAAAGTTGG-3'